The following is an entry in ClinVar:

ClinVar aggregate classification (germline): Uncertain significance (1 of 4 stars; one submission).

Conditions:
Developmental and epileptic encephalopathy, 66. Also called: EPILEPTIC ENCEPHALOPATHY, EARLY INFANTILE, 66. Identifiers: MedGen C4748070, MONDO:0054845, OMIM 618067.

Submission:

Neuberg Centre For Genomic Medicine, NCGM
Classification: Uncertain significance for Developmental and epileptic encephalopathy, 66. Review status: criteria provided, single submitter. Criteria: ACMG Guidelines, 2015. Collection method: clinical testing. Allele origin: germline. Inheritance: Autosomal dominant inheritance. Affected: yes.
Comment: The frame shift variant c.2268del (p.Ala757ProfsTer3) has not been reported previously as a pathogenic variant nor as a benign variant, to our knowledge. This variant causes a frameshift starting with codon Alanine 757, changes this amino acid to Proline residue, and creates a premature Stop codon at position 3 of the new reading frame, denoted p.Ala757ProfsTer3. The p.Ala757ProfsTer3 variant is novel (not in any individuals) in gnomAD Exomes and is novel (not in any individuals) in 1000 Genomes. Reported mutations till date have been missense type with majority of the patients harboring the recurrent variant Glu209Lys (Olson HE et al). Loss of function variants have not been reported previously to be disease causing. However the gene is intolerant to loss of function (pLI=1).Given the limited amount of evidence available to classify loss of function variants in PACS2, it has been classified as Variant of Uncertain Significance (VUS).

NM_001100913.3(PACS2):c.2268del (p.Ala757fs)

Gene: PACS2 (phosphofurin acidic cluster sorting protein 2; plus strand). Cytogenetic location: 14q32.33.
Variant type: Deletion.
Coding change: c.2268del on transcript NM_001100913.3 (MANE Select); coding-DNA position 2268, one base deleted (C; older notation c.2268delC).
Protein change: p.Ala757fs; shifts the reading frame from alanine 757.
Molecular consequence: frameshift variant.
Genome position (GRCh38, 1-based): chr14:105,392,631, C deleted. VCF-style (leftmost placement, unchanged base first): chr14-105392630-GC-G. GRCh37 (hg19) VCF-style: chr14-105858967-GC-G.
Other names: c.1998del, p.Ala667fs (NM_001243127.3); c.2223del, p.Ala742fs (NM_015197.4); short protein forms A667fs, A742fs, A757fs.
Identifiers: ClinVar variation 2585524 (VCV002585524.1), dbSNP rs2544898688, ClinGen allele CA2582341777.